The following is an entry in ClinVar:

NM_003632.3(CNTNAP1):c.2699C>T (p.Pro900Leu)

Gene: CNTNAP1 (contactin associated protein 1; plus strand). Cytogenetic location: 17q21.2.
Variant type: single nucleotide variant.
Coding change: c.2699C>T on transcript NM_003632.3 (MANE Select); coding-DNA position 2699, C replaced by T.
Protein change: p.Pro900Leu; replaces proline 900 with leucine.
Molecular consequence: missense variant.
Genome position (GRCh38, 1-based): chr17:42,692,667, C>T. VCF-style: chr17-42692667-C-T. GRCh37 (hg19) VCF-style: chr17-40844685-C-T.
Other names: short protein forms P900L.
Identifiers: ClinVar variation 1978807 (VCV001978807.4), dbSNP rs773535831, ClinGen allele CA8582122.

ClinVar aggregate classification (germline): Uncertain significance (1 of 4 stars; one submission).

Allele frequency attached by ClinVar (database versions not stated): gnomAD 0.00001; ExAC 0.00002; TOPMed 0.00002.
gnomAD v4.1: 32 of 1,614,056 alleles (0.002%); highest among the groups gnomAD compares: Admixed American, 0.0067%; no homozygotes.

Submission:

Labcorp Genetics (formerly Invitae), Labcorp
Classification: Uncertain significance. Last evaluated: 2022-07-22. Review status: criteria provided, single submitter. Criteria: Invitae Variant Classification Sherloc (09022015). Collection method: clinical testing. Allele origin: germline.
Comment: In summary, the available evidence is currently insufficient to determine the role of this variant in disease. Therefore, it has been classified as a Variant of Uncertain Significance. Algorithms developed to predict the effect of missense changes on protein structure and function are either unavailable or do not agree on the potential impact of this missense change (SIFT: "Deleterious"; PolyPhen-2: "Benign"; Align-GVGD: "Class C0"). This variant has not been reported in the literature in individuals affected with CNTNAP1-related conditions. This variant is present in population databases (rs773535831, gnomAD 0.006%). This sequence change replaces proline, which is neutral and non-polar, with leucine, which is neutral and non-polar, at codon 900 of the CNTNAP1 protein (p.Pro900Leu).